The following is an entry in ClinVar:

NM_004999.4(MYO6):c.2539A>C (p.Lys847Gln)

Gene: MYO6 (myosin VI; plus strand). Cytogenetic location: 6q14.1.
Variant type: single nucleotide variant.
Coding change: c.2539A>C on transcript NM_004999.4 (MANE Select); coding-DNA position 2539, A replaced by C.
Protein change: p.Lys847Gln; replaces lysine 847 with glutamine.
Molecular consequence: missense variant. On other transcripts: non-coding transcript variant (1).
Genome position (GRCh38, 1-based): chr6:75,886,875, A>C. VCF-style: chr6-75886875-A-C. GRCh37 (hg19) VCF-style: chr6-76596592-A-C.
Other names: c.2539A>C, p.Lys847Gln (NM_001300899.2, NM_001368136.1, NM_001368137.1 and 2 more transcripts); c.2524A>C, p.Lys842Gln (NM_001368138.1); short protein forms K842Q, K847Q.
Identifiers: ClinVar variation 2573934 (VCV002573934.1), dbSNP rs2535552037, ClinGen allele CA364775220.
Genomic context (GRCh38, chr6:75,886,875, plus strand): 5'-TAAGCTCTAATGAAGTATTATTTTTACAGCATTGATGGTCTGGTTAAGGTGGGCACACTG[A>C]AAAAACGACTTGATAAATTTAATGAGGTAGTCAGTGTGTTGAAAGATGGAAAACCCGAGA-3'
Protein context (NP_004990.3, residues 837-857): IDGLVKVGTL[Lys847Gln]KRLDKFNEVV

ClinVar aggregate classification (germline): Uncertain significance (1 of 4 stars; one submission).

Allele frequency attached by ClinVar (database versions not stated): gnomAD exomes below 0.00001.
gnomAD v4.1: 1 of 1,613,878 alleles (0.000062%); highest among the groups gnomAD compares: Non-Finnish European, 0.000085%; no homozygotes.

Submission:

GeneDx
Classification: Uncertain significance. Last evaluated: 2023-01-18. Review status: criteria provided, single submitter. Criteria: GeneDx Variant Classification Process June 2021. Collection method: clinical testing. Allele origin: germline. Affected: yes.
Comment: Not observed at significant frequency in large population cohorts (gnomAD); In silico analysis supports that this missense variant does not alter protein structure/function; Has not been previously published as pathogenic or benign to our knowledge